The following is an entry in ClinVar:

NM_000155.4(GALT):c.1024C>A (p.Leu342Ile)

Gene: GALT (galactose-1-phosphate uridylyltransferase; plus strand). Cytogenetic location: 9p13.3.
Variant type: single nucleotide variant.
Coding change: c.1024C>A on transcript NM_000155.4 (MANE Select); coding-DNA position 1024, C replaced by A.
Protein change: p.Leu342Ile; replaces leucine 342 with isoleucine.
Molecular consequence: missense variant.
Genome position (GRCh38, 1-based): chr9:34,649,529, C>A. VCF-style: chr9-34649529-C-A. GRCh37 (hg19) VCF-style: chr9-34649526-C-A.
Other names: c.697C>A, p.Leu233Ile (NM_001258332.2); short protein forms L233I.
Identifiers: ClinVar variation 25319 (VCV000025319.11), dbSNP rs111033812, ClinGen allele CA259571.

ClinVar aggregate classification (germline): Uncertain significance (1 of 4 stars; one submission).

Conditions:
Deficiency of UDPglucose-hexose-1-phosphate uridylyltransferase. Also called: GALT deficiency; Galactosemia, classic; Transferase Deficiency Galactosemia; GALACTOSEMIA I; GALACTOSE-1-PHOSPHATE URIDYLYLTRANSFERASE DEFICIENCY. Identifiers: Orphanet 352, Orphanet 79239, MedGen C0268151, MONDO:0009258, OMIM 230400.

Submission:

Labcorp Genetics (formerly Invitae), Labcorp
Classification: Uncertain significance for Deficiency of UDPglucose-hexose-1-phosphate uridylyltransferase. Last evaluated: 2019-12-13. Review status: criteria provided, single submitter. Criteria: Invitae Variant Classification Sherloc (09022015). Collection method: clinical testing. Allele origin: germline.
Comment: In summary, the available evidence is currently insufficient to determine the role of this variant in disease. Therefore, it has been classified as a Variant of Uncertain Significance. Algorithms developed to predict the effect of missense changes on protein structure and function are either unavailable or do not agree on the potential impact of this missense change (SIFT: "Deleterious"; PolyPhen-2: "Probably Damaging"; Align-GVGD: "Class C0"). This variant has been observed in individual(s) with galactosemia (PMID: 11919338). ClinVar contains an entry for this variant (Variation ID: 25319). This variant is not present in population databases (ExAC no frequency). This sequence change replaces leucine with isoleucine at codon 342 of the GALT protein (p.Leu342Ile). The leucine residue is highly conserved and there is a small physicochemical difference between leucine and isoleucine.

Literature cited by the submitters: PubMed 11919338.